The following is an entry in ClinVar:

NM_001999.4(FBN2):c.8187A>G (p.Gly2729=)

Gene: FBN2 (fibrillin 2; minus strand). Cytogenetic location: 5q23.3.
Variant type: single nucleotide variant.
Coding change: c.8187A>G on transcript NM_001999.4 (MANE Select); coding-DNA position 8187, A replaced by G.
Protein change: p.Gly2729=; no amino-acid change (glycine 2729 retained).
Molecular consequence: synonymous variant.
Genome position (GRCh38, 1-based): chr5:128,263,430, T>C on the plus strand (A>G on the coding strand, the complement: FBN2 is on the minus strand). VCF-style: chr5-128263430-T-C. GRCh37 (hg19) VCF-style: chr5-127599122-T-C.
Other names: c.8187A>G (NM_001999.3).
Identifiers: ClinVar variation 1912196 (VCV001912196.6), dbSNP rs1765029546, ClinGen allele CA446305837.

ClinVar aggregate classification (germline): Conflicting classifications of pathogenicity. Review status: criteria provided, conflicting classifications (1 of 4 stars). 2 submissions from 2 submitters: Uncertain significance (1); Likely benign (1). Last evaluated 2024-06-24.

Conditions:
Congenital contractural arachnodactyly (CCA). Also called: Arthrogryposis, distal, type 9; BEALS SYNDROME; Beals-Hecht syndrome. Identifiers: Orphanet 115, MedGen C0220668, MONDO:0007363, OMIM 121050.
Familial thoracic aortic aneurysm and aortic dissection (TAAD). Also called: Thoracic aortic aneurysms and dissections. Identifiers: Orphanet 91387, MedGen C4707243, MONDO:0019625.

Submissions (2):

Ambry Genetics
Classification: Uncertain significance for Familial thoracic aortic aneurysm and aortic dissection. Last evaluated: 2024-06-24. Review status: criteria provided, single submitter. Criteria: Ambry Variant Classification Scheme 2023. Collection method: clinical testing. Allele origin: germline.
Comment: The c.8187A>G variant (also known as p.G2729G), located in coding exon 63 of the FBN2 gene, results from an A to G substitution at nucleotide position 8187. This nucleotide substitution does not change the amino acid at codon 2729. In silico splice site analysis for this alteration is inconclusive. Based on the available evidence, the clinical significance of this variant remains unclear.

Labcorp Genetics (formerly Invitae), Labcorp
Classification: Likely benign for Congenital contractural arachnodactyly. Last evaluated: 2023-05-02. Review status: criteria provided, single submitter. Criteria: Invitae Variant Classification Sherloc (09022015). Collection method: clinical testing. Allele origin: germline.